The following is an entry in ClinVar:

ClinVar aggregate classification (germline): Likely pathogenic (1 of 4 stars; one submission).

Conditions:
Autosomal recessive limb-girdle muscular dystrophy type 2J (LGMDR10). Also called: Limb-girdle muscular dystrophy, type 2J; MUSCULAR DYSTROPHY, LIMB-GIRDLE, AUTOSOMAL RECESSIVE 10. Identifiers: Orphanet 140922, MedGen C1837342, MONDO:0012127, OMIM 608807.
Dilated cardiomyopathy 1G (CMD1G). Identifiers: Orphanet 154, MedGen C1858763, MONDO:0011400, OMIM 604145.

Submission:

Labcorp Genetics (formerly Invitae), Labcorp
Classification: Likely pathogenic for Dilated cardiomyopathy 1G; Autosomal recessive limb-girdle muscular dystrophy type 2J. Last evaluated: 2024-10-15. Review status: criteria provided, single submitter. Criteria: Invitae Variant Classification Sherloc (09022015). Collection method: clinical testing. Allele origin: germline.
Comment: This sequence change creates a premature translational stop signal (p.Glu24212Alafs*12) in the TTN gene. While this is not anticipated to result in nonsense mediated decay, it is expected to create a truncated TTN protein. This variant is not present in population databases (gnomAD no frequency). This variant has not been reported in the literature in individuals affected with TTN-related conditions. This variant is located in the A band of TTN (PMID: 25589632). Truncating variants in this region are significantly overrepresented in patients affected with dilated cardiomyopathy (PMID: 25589632). Truncating variants in this region have also been reported in individuals affected with autosomal recessive centronuclear myopathy (PMID: 23975875). In summary, the currently available evidence indicates that the variant is pathogenic, but additional data are needed to prove that conclusively. Therefore, this variant has been classified as Likely Pathogenic.

Literature cited by the submitters: PubMed 25589632; PubMed 23975875.

NM_001267550.2(TTN):c.72635_72636del (p.Glu24212fs)

Genes: TTN-AS1 (TTN antisense RNA 1; plus strand), TTN (titin; minus strand). Cytogenetic location: 2q31.2.
Variant type: Microsatellite.
Coding change: c.72635_72636del on transcript NM_001267550.2 (MANE Select); coding-DNA positions 72635 to 72636, 2 bases deleted (AG; older notation c.72635_72636delAG).
Protein change: p.Glu24212fs; shifts the reading frame from glutamic acid 24212.
Molecular consequence: frameshift variant.
Genome position (GRCh38, 1-based): chr2:178,573,496-178,573,497, CT deleted on the plus strand (AG on the coding strand, the reverse complement: TTN is on the minus strand); deleting any 2 consecutive bases within chr2:178,573,496-178,573,499 gives the same sequence; the c. name uses the placement nearest the transcript's 3' end. VCF-style (leftmost placement, unchanged base first): chr2-178573495-GCT-G. GRCh37 (hg19) VCF-style: chr2-179438222-GCT-G.
Other names: c.67712_67713del, p.Glu22571fs (NM_001256850.1); c.45440_45441del, p.Glu15147fs (NM_003319.4); c.64931_64932del, p.Glu21644fs (NM_133378.4); c.45815_45816del, p.Glu15272fs (NM_133432.3); c.46016_46017del, p.Glu15339fs (NM_133437.4); short protein forms E15147fs, E15272fs, E15339fs, E21644fs, E22571fs, E24212fs.
Identifiers: ClinVar variation 3750174 (VCV003750174.2).